The following is an entry in ClinVar:

ClinVar aggregate classification (germline): Uncertain significance (1 of 4 stars; one submission).

gnomAD v4.1: 1 of 1,596,974 alleles (0.000063%); highest among the groups gnomAD compares: Non-Finnish European, 0.000085%; no homozygotes.

Submission:

GeneDx
Classification: Uncertain significance. Last evaluated: 2019-08-08. Review status: criteria provided, single submitter. Criteria: GeneDx Variant Classification Process June 2021. Collection method: clinical testing. Allele origin: germline. Affected: yes.
Comment: Not observed in large population cohorts (Lek et al., 2016); In silico analysis, which includes protein predictors and evolutionary conservation, supports a deleterious effect; Has not been previously published as pathogenic or benign to our knowledge; Variants in candidate genes are classified as variants of uncertain significance in accordance with ACMG guidelines (Richards et al., 2015)

NM_015021.3(ZNF292):c.118C>T (p.Arg40Trp)

Genes: ZNF292 (zinc finger protein 292; plus strand), LOC129996783 (ATAC-STARR-seq lymphoblastoid active region 24794; plus strand). Cytogenetic location: 6q14.3.
Variant type: single nucleotide variant.
Coding change: c.118C>T on transcript NM_015021.3 (MANE Select); coding-DNA position 118, C replaced by T.
Protein change: p.Arg40Trp; replaces arginine 40 with tryptophan.
Molecular consequence: missense variant. On other transcripts: 5 prime UTR variant (1).
Genome position (GRCh38, 1-based): chr6:87,155,709, C>T. VCF-style: chr6-87155709-C-T. GRCh37 (hg19) VCF-style: chr6-87865427-C-T.
Other names: c.-448C>T (NM_001351444.2); short protein forms R40W.
Identifiers: ClinVar variation 1318490 (VCV001318490.2), dbSNP rs973945684, ClinGen allele CA365056101.
Genomic context (GRCh38, chr6:87,155,709, plus strand): 5'-GCGGAGCTGCAGCGCCTGGGCGAGCGGCTCCAGGAGCTGGAGCTACAGCTGCGGGAGAGC[C>T]GGGTACCGGCCGTGGAAGCGGCCACCGACTACTGTCAGCAGCTGTGCCAGGTGAGGGCGC-3'
Protein context (NP_055836.1, residues 30-50): QELELQLRES[Arg40Trp]VPAVEAATDY